The following is an entry in ClinVar:

ClinVar aggregate classification (germline): Uncertain significance. Review status: criteria provided, multiple submitters, no conflicts (2 of 4 stars). 3 submissions from 3 submitters: Uncertain significance (3). Last evaluated 2025-07-30.

Conditions:
Hereditary cancer-predisposing syndrome. Also called: Neoplastic Syndromes, Hereditary; Tumor predisposition; Hereditary Cancer Syndrome; Hereditary neoplastic syndrome. Identifiers: Orphanet 140162, MedGen C0027672, MeSH D009386, MONDO:0015356.

Allele frequency attached by ClinVar (database versions not stated): gnomAD exomes below 0.00001.
gnomAD v4.1: 1 of 1,614,238 alleles (0.000062%); highest among the groups gnomAD compares: Non-Finnish European, 0.000085%; no homozygotes.

Submissions (3):

Labcorp Genetics (formerly Invitae), Labcorp
Classification: Uncertain significance for Hereditary cancer-predisposing syndrome. Last evaluated: 2025-07-30. Review status: criteria provided, single submitter. Criteria: Invitae Variant Classification Sherloc (09022015). Collection method: clinical testing. Allele origin: germline.
Comment: This sequence change replaces isoleucine, which is neutral and non-polar, with methionine, which is neutral and non-polar, at codon 1212 of the RAD50 protein (p.Ile1212Met). This variant is not present in population databases (gnomAD no frequency). This variant has not been reported in the literature in individuals affected with RAD50-related conditions. ClinVar contains an entry for this variant (Variation ID: 527342). Invitae Evidence Modeling of protein sequence and biophysical properties (such as structural, functional, and spatial information, amino acid conservation, physicochemical variation, residue mobility, and thermodynamic stability) indicates that this missense variant is expected to disrupt RAD50 protein function with a positive predictive value of 80%. In summary, the available evidence is currently insufficient to determine the role of this variant in disease. Therefore, it has been classified as a Variant of Uncertain Significance.

Women's Health and Genetics/Laboratory Corporation of America, LabCorp
Classification: Uncertain significance. Last evaluated: 2025-07-30. Review status: criteria provided, single submitter. Criteria: LabCorp Variant Classification Summary - May 2015. Collection method: clinical testing. Allele origin: germline.

Ambry Genetics
Classification: Uncertain significance for Hereditary cancer-predisposing syndrome. Last evaluated: 2023-08-07. Review status: criteria provided, single submitter. Criteria: Ambry Variant Classification Scheme 2023. Collection method: clinical testing. Allele origin: germline.
Comment: The p.I1212M variant (also known as c.3636C>G), located in coding exon 24 of the RAD50 gene, results from a C to G substitution at nucleotide position 3636. The isoleucine at codon 1212 is replaced by methionine, an amino acid with highly similar properties. This amino acid position is highly conserved in available vertebrate species. In addition, the in silico prediction for this alteration is inconclusive. Since supporting evidence is limited at this time, the clinical significance of this alteration remains unclear.

NM_005732.4(RAD50):c.3636C>G (p.Ile1212Met)

Genes: TH2LCRR (T helper type 2 locus control region associated RNA; minus strand), TH2-LCR (Th2 cytokine locus control region; plus strand), RAD50 (RAD50 double strand break repair protein; plus strand). Cytogenetic location: 5q31.1.
Variant type: single nucleotide variant.
Coding change: c.3636C>G on transcript NM_005732.4 (MANE Select); coding-DNA position 3636, C replaced by G.
Protein change: p.Ile1212Met; replaces isoleucine 1212 with methionine.
Molecular consequence: missense variant.
Genome position (GRCh38, 1-based): chr5:132,640,689, C>G. VCF-style: chr5-132640689-C-G. GRCh37 (hg19) VCF-style: chr5-131976381-C-G.
Other names: short protein forms I1212M.
Identifiers: ClinVar variation 527342 (VCV000527342.15), dbSNP rs1554101171, ClinGen allele CA360933668.